The following is an entry in ClinVar:

NM_020921.4(NIN):c.3954T>C (p.Asn1318=)

Gene: NIN (ninein; minus strand). Cytogenetic location: 14q22.1.
Variant type: single nucleotide variant.
Coding change: c.3954T>C on transcript NM_020921.4 (MANE Select); coding-DNA position 3954, T replaced by C.
Protein change: p.Asn1318=; no amino-acid change (asparagine 1318 retained).
Molecular consequence: synonymous variant. On other transcripts: intron variant (1).
Genome position (GRCh38, 1-based): chr14:50,757,076, A>G on the plus strand (T>C on the coding strand, the complement: NIN is on the minus strand). VCF-style: chr14-50757076-A-G. GRCh37 (hg19) VCF-style: chr14-51223794-A-G.
Other names: c.3954T>C, p.Asn1318= (NM_182944.3, NM_182946.2); c.2400-2209T>C (NM_016350.5).
Identifiers: ClinVar variation 435999 (VCV000435999.13), dbSNP rs142326581, ClinGen allele CA7181649.

ClinVar aggregate classification (germline): Likely benign. Review status: criteria provided, multiple submitters, no conflicts (2 of 4 stars). 4 submissions from 4 submitters: Likely benign (3). 1 of the submissions does not count toward it. Last evaluated 2024-11-05.

Conditions:
NIN-related disorder. Also called: NIN-related condition.

Allele frequency attached by ClinVar (database versions not stated): ESP Exome Variant Server 0.00008; ExAC 0.00002; gnomAD exomes 0.00003 and 0.00004; gnomAD 0.00006 and 0.00007; TOPMed 0.00007.
gnomAD v4.1: 76 of 1,613,324 alleles (0.0047%); highest among the groups gnomAD compares: Middle Eastern, 0.083%; no homozygotes.

Submissions (4):

Labcorp Genetics (formerly Invitae), Labcorp
Classification: Likely benign. Last evaluated: 2024-11-05. Review status: criteria provided, single submitter. Criteria: Invitae Variant Classification Sherloc (09022015). Collection method: clinical testing. Allele origin: germline.

Blueprint Genetics
Classification: Likely benign. Last evaluated: 2024-09-13. Review status: criteria provided, single submitter. Criteria: ACMG Guidelines, 2015. Collection method: clinical testing. Allele origin: germline.

Genetic Services Laboratory, University of Chicago
Classification: Likely benign. Last evaluated: 2017-04-05. Review status: criteria provided, single submitter. Criteria: ACMG Guidelines, 2015. Collection method: clinical testing. Allele origin: germline. Affected: no.

PreventionGenetics, part of Exact Sciences
Classification: Likely benign for NIN-related condition. Last evaluated: 2019-10-28. Review status: no assertion criteria provided. Collection method: clinical testing. Allele origin: germline. Not counted in ClinVar's aggregate classification.
Comment: This variant is classified as likely benign based on ACMG/AMP sequence variant interpretation guidelines (Richards et al. 2015 PMID: 25741868, with internal and published modifications).